The following is an entry in ClinVar:

ClinVar aggregate classification (germline): Uncertain significance (1 of 4 stars; one submission).

Allele frequency attached by ClinVar (database versions not stated): gnomAD exomes 0.00001 and 0.00002; TOPMed 0.00001; gnomAD 0.00002; ExAC 0.00003.
gnomAD v4.1: 11 of 1,613,380 alleles (0.00068%); highest among the groups gnomAD compares: Admixed American, 0.005%; no homozygotes.

Submission:

Labcorp Genetics (formerly Invitae), Labcorp
Classification: Uncertain significance. Last evaluated: 2024-03-11. Review status: criteria provided, single submitter. Criteria: Invitae Variant Classification Sherloc (09022015). Collection method: clinical testing. Allele origin: germline.
Comment: This sequence change affects a donor splice site in intron 6 of the NEK2 gene. It is expected to disrupt RNA splicing. Variants that disrupt the donor or acceptor splice site typically lead to a loss of protein function (PMID: 16199547), however the current clinical and genetic evidence is not sufficient to establish whether loss-of-function variants in NEK2 cause disease. This variant is present in population databases (rs762954422, gnomAD 0.009%). This variant has not been reported in the literature in individuals affected with NEK2-related conditions. ClinVar contains an entry for this variant (Variation ID: 1418071). Algorithms developed to predict the effect of sequence changes on RNA splicing suggest that this variant may disrupt the consensus splice site. In summary, the available evidence is currently insufficient to determine the role of this variant in disease. Therefore, it has been classified as a Variant of Uncertain Significance.

Literature cited by the submitters: PubMed 16199547.

NM_002497.4(NEK2):c.985+1G>A

Gene: NEK2 (NIMA related kinase 2; minus strand). Cytogenetic location: 1q32.3.
Variant type: single nucleotide variant.
Coding change: c.985+1G>A on transcript NM_002497.4 (MANE Select); the canonical splice donor site of the intron after coding-DNA position 985, G replaced by A.
Molecular consequence: splice donor variant.
Genome position (GRCh38, 1-based): chr1:211,669,112, C>T on the plus strand (G>A on the coding strand, the complement: NEK2 is on the minus strand). VCF-style: chr1-211669112-C-T. GRCh37 (hg19) VCF-style: chr1-211842454-C-T.
Other names: c.985+1G>A (NM_001204182.2, NM_001204183.2).
Identifiers: ClinVar variation 1418071 (VCV001418071.6), dbSNP rs762954422, ClinGen allele CA1381547.